The following is an entry in ClinVar:

NM_144670.6(A2ML1):c.2537T>C (p.Leu846Pro)

Gene: A2ML1 (alpha-2-macroglobulin like 1; plus strand). Cytogenetic location: 12p13.31.
Variant type: single nucleotide variant.
Coding change: c.2537T>C on transcript NM_144670.6 (MANE Select); coding-DNA position 2537, T replaced by C.
Protein change: p.Leu846Pro; replaces leucine 846 with proline.
Molecular consequence: missense variant.
Genome position (GRCh38, 1-based): chr12:8,852,283, T>C. VCF-style: chr12-8852283-T-C. GRCh37 (hg19) VCF-style: chr12-9004879-T-C.
Other names: c.1064T>C, p.Leu355Pro (NM_001282424.3); short protein forms L355P, L846P.
Identifiers: ClinVar variation 2449322 (VCV002449322.2), dbSNP rs775025101, ClinGen allele CA6436040.

ClinVar aggregate classification (germline): Uncertain significance (1 of 4 stars; one submission).

Allele frequency attached by ClinVar (database versions not stated): ExAC 0.00001; gnomAD 0.00001; gnomAD exomes 0.00001.
gnomAD v4.1: 11 of 1,614,020 alleles (0.00068%); highest among the groups gnomAD compares: Non-Finnish European, 0.00093%; no homozygotes.

Submission:

Ambry Genetics
Classification: Uncertain significance. Last evaluated: 2022-11-02. Review status: criteria provided, single submitter. Criteria: Ambry Variant Classification Scheme 2023. Collection method: clinical testing. Allele origin: germline.
Comment: The p.L846P variant (also known as c.2537T>C), located in coding exon 20 of the A2ML1 gene, results from a T to C substitution at nucleotide position 2537. The leucine at codon 846 is replaced by proline, an amino acid with similar properties. This amino acid position is conserved. In addition, the in silico prediction for this alteration is inconclusive. Since supporting evidence is limited at this time, the clinical significance of this alteration remains unclear.